The following is an entry in ClinVar:

Single allele

Gene: DMD (dystrophin; minus strand). Cytogenetic location: Xp21.1.
Variant type: Deletion.
Identifiers: ClinVar variation 3571924 (VCV003571924.2).

ClinVar aggregate classification (germline): Pathogenic (1 of 4 stars; one submission).

Submission:

Athena Diagnostics
Classification: Pathogenic. Last evaluated: 2025-03-17. Review status: criteria provided, single submitter. Criteria: Athena Diagnostics Criteria. Collection method: clinical testing. Allele origin: unknown.
Comment: This variant is expected to result in the loss of a functional protein. Similar deletions of exon 51 of the DMD gene have not been reported in large, multi-ethnic general populations (Genome Aggregation Database (gnomAD), Cambridge, MA (URL)). This deletion variant is primarily reported in patients presenting with Duchenne muscular dystrophy (DMD), but it has also been reported in patients with Becker muscular dystrophy (BMD; PMID: 19937601, 28116794, 29976999, 38425356, 39499670).

Literature cited by the submitters: PubMed 38057384; PubMed 34149409; PubMed 31719299; PubMed 31705731; PubMed 32358784; PubMed 33238405; PubMed 34327855; PubMed 34297739; PubMed 34925456; PubMed 36315559; PubMed 36361501; PubMed 34950096; PubMed 38009102; PubMed 38002481; PubMed 38850354; PubMed 39499670; PubMed 23588064; PubMed 28116794; PubMed 29976999; PubMed 38425356; PubMed 25244321; PubMed 24236769; PubMed 19937601; PubMed 26081009; PubMed 29604111; PubMed 24099565; PubMed 17259292; PubMed 17253928; PubMed 1618490; PubMed 14977063; PubMed 15845029.